The following is an entry in ClinVar:

NM_001127208.3(TET2):c.1088C>T (p.Pro363Leu)

Genes: TET2 (tet methylcytosine dioxygenase 2; plus strand), TET2-AS1 (TET2 antisense RNA 1; minus strand). Cytogenetic location: 4q24.
Variant type: single nucleotide variant.
Coding change: c.1088C>T on transcript NM_001127208.3 (MANE Select); coding-DNA position 1088, C replaced by T.
Protein change: p.Pro363Leu; replaces proline 363 with leucine.
Molecular consequence: missense variant.
Genome position (GRCh38, 1-based): chr4:105,235,030, C>T. VCF-style: chr4-105235030-C-T. GRCh37 (hg19) VCF-style: chr4-106156187-C-T.
Other names: c.1088C>T, p.Pro363Leu (NM_017628.4); c.1088C>T (NM_001127208.2); short protein forms P363L.
Identifiers: ClinVar variation 135309 (VCV000135309.9), dbSNP rs17253672, ClinGen allele CA162310.

ClinVar aggregate classification (germline): Benign. Review status: criteria provided, multiple submitters, no conflicts (2 of 4 stars). 4 submissions from 4 submitters: Benign (3). 1 of the submissions does not count toward it. Last evaluated 2026-02-04.

Allele frequency attached by ClinVar (database versions not stated): 1000 Genomes Project 30x 0.02717; ESP Exome Variant Server 0.04244; ExAC 0.04829; gnomAD exomes 0.04974 and 0.05382; gnomAD 0.04379 and 0.04445; 1000 Genomes Project 0.02756; TOPMed 0.03624.
gnomAD v4.1: 85,356 of 1,614,090 alleles (5.3%); highest among the groups gnomAD compares: Middle Eastern, 6.1%; 2,635 homozygotes.

Submissions (4):

Labcorp Genetics (formerly Invitae), Labcorp
Classification: Benign. Last evaluated: 2026-02-04. Review status: criteria provided, single submitter. Criteria: Invitae Variant Classification Sherloc (09022015). Collection method: clinical testing. Allele origin: germline.

ARUP Laboratories, Molecular Genetics and Genomics, ARUP Laboratories
Classification: Benign. Last evaluated: 2025-07-14. Review status: criteria provided, single submitter. Criteria: ARUP Molecular Germline Variant Investigation Process 2024. Collection method: clinical testing. Allele origin: germline.

Mayo Clinic Laboratories, Mayo Clinic
Classification: Benign. Last evaluated: 2022-09-06. Review status: criteria provided, single submitter. Criteria: ACMG Guidelines, 2015. Collection method: clinical testing. Allele origin: germline. Observed: 15 variant alleles.

ITMI
No classification provided. Condition: AllHighlyPenetrant. Last evaluated: 2013-09-19. Review status: no classification provided. Collection method: reference population. Allele origin: germline. Not counted in ClinVar's aggregate classification.
Comment: Please see associated publication for description of ethnicities

Literature cited by the submitters: PubMed 24728327 (cited by ITMI).